The following is an entry in ClinVar:

ClinVar aggregate classification (germline): Likely pathogenic. Review status: reviewed by expert panel (3 of 4 stars). 4 submissions from 4 submitters: Likely pathogenic (1). 3 of the submissions do not count toward it. Last evaluated 2020-05-18.

Conditions:
Noonan syndrome 3 (NS3). Also called: KRAS-Related Noonan Syndrome. Identifiers: Orphanet 648, MedGen C1860991, MONDO:0012371, OMIM 609942.
RASopathy. Also called: rasopathies; Noonan spectrum disorder. Identifiers: Orphanet 536391, MedGen C5555857, MONDO:0021060.

Submissions (4):

ClinGen RASopathy Variant Curation Expert Panel
Classification: Likely pathogenic for RASopathy. Last evaluated: 2020-05-18. Review status: reviewed by expert panel. Criteria: ClinGen RASopathy ACMG Specifications v1. Collection method: curation. Allele origin: germline. Inheritance: Autosomal dominant inheritance.
Comment: The c.194G>T (p.Ser65Ile) variant in KRAS was absent from large population studies (PM2; gnomAD). It has been reported in 2 probands with clinical features of a RASopathy (PS4_Supporting; SCV000599968.1, PMID: 26822237, 25326635, Invitae internal data). The variant arose de novo in one of the probands with confirmed parentage (PS2; SCV000599968.1, PMID:26822237, 25326635). The variant is located in KRAS, which has been defined by the ClinGen RASopathy Expert Panel as a gene with a low rate of benign missense variants and pathogenic missense variants are common (PP2; PMID: 29493581). In summary, this variant meets criteria to be classified as likely pathogenic for RASopathies in an autosomal dominant manner. RASopathy-specific ACMG/AMP criteria applied (PMID:29493581):, PS2, PS4_Supporting, PM2, PP2.

Labcorp Genetics (formerly Invitae), Labcorp
Classification: Pathogenic for RASopathy. Last evaluated: 2022-11-29. Review status: criteria provided, single submitter. Criteria: Invitae Variant Classification Sherloc (09022015). Collection method: clinical testing. Allele origin: germline. Not counted in ClinVar's aggregate classification.
Comment: This sequence change replaces serine, which is neutral and polar, with isoleucine, which is neutral and non-polar, at codon 65 of the KRAS protein (p.Ser65Ile). This variant is not present in population databases (gnomAD no frequency). This missense change has been observed in individual(s) with clinical features of KRAS-related conditions (PMID: 25326635, 26822237). In at least one individual the variant was observed to be de novo. ClinVar contains an entry for this variant (Variation ID: 438796). Advanced modeling of protein sequence and biophysical properties (such as structural, functional, and spatial information, amino acid conservation, physicochemical variation, residue mobility, and thermodynamic stability) performed at Invitae indicates that this missense variant is expected to disrupt KRAS protein function. For these reasons, this variant has been classified as Pathogenic.

Donald Williams Parsons Laboratory, Baylor College of Medicine
Classification: Likely pathogenic for Noonan syndrome 3. Last evaluated: 2014-08-25. Review status: no assertion criteria provided. Collection method: research. Allele origin: de novo. Inheritance: Autosomal dominant inheritance. Affected: yes. Observed: 1 variant allele, 1 heterozygote. Study: CSER-BASIC3. Not counted in ClinVar's aggregate classification.

Baylor Genetics
Classification: Uncertain significance for Rasopathy. Last evaluated: 2017-09-01. Review status: flagged submission. Criteria: ACMG Guidelines, 2015. Collection method: clinical testing. Allele origin: de novo. Inheritance: Autosomal dominant inheritance. Affected: yes. Not counted in ClinVar's aggregate classification.
ClinVar note: Reason: Conflicts with expert reviewed submission without evidence to support different classification

Literature cited by the submitters: PubMed 25326635 (cited by Labcorp Genetics (formerly Invitae), Labcorp and Baylor Genetics); PubMed 26822237 (cited by Labcorp Genetics (formerly Invitae), Labcorp and Donald Williams Parsons Laboratory, Baylor College of Medicine).

NM_033360.4(KRAS):c.194G>T (p.Ser65Ile)

Gene: KRAS (KRAS proto-oncogene, GTPase; minus strand). Cytogenetic location: 12p12.1.
Variant type: single nucleotide variant.
Coding change: c.194G>T on transcript NM_033360.4 (MANE Plus Clinical); coding-DNA position 194, G replaced by T.
Protein change: p.Ser65Ile; replaces serine 65 with isoleucine.
Molecular consequence: missense variant.
Genome position (GRCh38, 1-based): chr12:25,227,330, C>A on the plus strand (G>T on the coding strand, the complement: KRAS is on the minus strand). VCF-style: chr12-25227330-C-A. GRCh37 (hg19) VCF-style: chr12-25380264-C-A.
Other names: c.194G>T, p.Ser65Ile (LRG_344t2, LRG_344t1, NM_001369786.1 and 2 more transcripts); short protein forms S65I.
Identifiers: ClinVar variation 438796 (VCV000438796.13), dbSNP rs1555194026, ClinGen allele CA384152083.